The following is an entry in ClinVar:

ClinVar aggregate classification (germline): Uncertain significance (1 of 4 stars; one submission).

Submission:

GeneDx
Classification: Uncertain significance. Last evaluated: 2019-10-12. Review status: criteria provided, single submitter. Criteria: GeneDx Variant Classification Process June 2021. Collection method: clinical testing. Allele origin: germline. Affected: yes.
Comment: Not observed in large population cohorts (Lek et al., 2016); In silico analysis, which includes protein predictors and evolutionary conservation, supports a deleterious effect; Has not been previously published as pathogenic or benign to our knowledge

NM_016284.5(CNOT1):c.4714T>A (p.Tyr1572Asn)

Gene: CNOT1 (CCR4-NOT transcription complex subunit 1; minus strand). Cytogenetic location: 16q21.
Variant type: single nucleotide variant.
Coding change: c.4714T>A on transcript NM_016284.5 (MANE Select); coding-DNA position 4714, T replaced by A.
Protein change: p.Tyr1572Asn; replaces tyrosine 1572 with asparagine.
Molecular consequence: missense variant. On other transcripts: non-coding transcript variant (1).
Genome position (GRCh38, 1-based): chr16:58,541,587, A>T on the plus strand (T>A on the coding strand, the complement: CNOT1 is on the minus strand). VCF-style: chr16-58541587-A-T. GRCh37 (hg19) VCF-style: chr16-58575491-A-T.
Other names: c.4699T>A, p.Tyr1567Asn (NM_001265612.2); short protein forms Y1567N, Y1572N.
Identifiers: ClinVar variation 1309002 (VCV001309002.2), dbSNP rs2151915626, ClinGen allele CA396168112.